The following is an entry in ClinVar:

ClinVar aggregate classification (germline): Uncertain significance (1 of 4 stars; one submission).

gnomAD v4.1: 5 of 1,614,152 alleles (0.00031%); highest among the groups gnomAD compares: Middle Eastern, 0.016%; no homozygotes.

Submission:

GeneDx
Classification: Uncertain significance. Last evaluated: 2022-12-02. Review status: criteria provided, single submitter. Criteria: GeneDx Variant Classification Process June 2021. Collection method: clinical testing. Allele origin: germline. Affected: yes.
Comment: Not observed at significant frequency in large population cohorts (gnomAD); In silico analysis supports that this missense variant has a deleterious effect on protein structure/function; In silico analysis is inconclusive as to whether the variant alters gene splicing. In the absence of RNA/functional studies, the actual effect of this sequence change is unknown.; Has not been previously published as pathogenic or benign to our knowledge

NM_080680.3(COL11A2):c.437A>G (p.Asp146Gly)

Gene: COL11A2 (collagen type XI alpha 2 chain; minus strand). Cytogenetic location: 6p21.32.
Variant type: single nucleotide variant.
Coding change: c.437A>G on transcript NM_080680.3 (MANE Select); coding-DNA position 437, A replaced by G.
Protein change: p.Asp146Gly; replaces aspartic acid 146 with glycine.
Molecular consequence: missense variant.
Genome position (GRCh38, 1-based): chr6:33,188,984, T>C on the plus strand (A>G on the coding strand, the complement: COL11A2 is on the minus strand). VCF-style: chr6-33188984-T-C. GRCh37 (hg19) VCF-style: chr6-33156761-T-C.
Other names: c.437A>G, p.Asp146Gly (NM_001163771.2, NM_080679.3, NM_080681.3); short protein forms D146G.
Identifiers: ClinVar variation 2504465 (VCV002504465.1), dbSNP rs2535547022, ClinGen allele CA363612127.